The following is an entry in ClinVar:

ClinVar aggregate classification (germline): Uncertain significance. Review status: criteria provided, single submitter (1 of 4 stars). 2 submissions from 2 submitters: Uncertain significance (1). 1 of the submissions does not count toward it. Last evaluated 2019-08-30.

Conditions:
Polycystic kidney disease. Also called: Kidney, Polycystic; Polycystic kidney dysplasia. Identifiers: MedGen C0022680, MeSH D007690, MONDO:0020642, HP:0000113.

Submissions (2):

Blueprint Genetics
Classification: Uncertain significance. Last evaluated: 2019-08-30. Review status: criteria provided, single submitter. Criteria: ACMG Guidelines, 2015. Collection method: clinical testing. Allele origin: germline.

Department of Pathology and Laboratory Medicine, Sinai Health System
Classification: Uncertain significance for Polycystic Kidney disease. Review status: no assertion criteria provided. Collection method: clinical testing. Allele origin: unknown. Affected: yes. Study: The Canadian Open Genetics Repository (COGR). Not counted in ClinVar's aggregate classification.
Comment: The PKD1 p.Val1443Gly variant was not identified in the literature nor was it identified in the dbSNP, ClinVar, GeneInsight-COGR, LOVD 3.0, ADPKD Mutation, and PKD1-LOVD, databases. The variant was not identified in the following control databases: the 1000 Genomes Project, the NHLBI GO Exome Sequencing Project, and the Exome Aggregation Consortium (August 8th 2016), or the Genome Aggregation Database (Feb 27, 2017). The p.Val1443 residue is conserved across mammals and other organisms, and computational analyses (PolyPhen-2, SIFT, AlignGVGD, BLOSUM, MutationTaster) suggest that the variant may impact the protein; however, this information is not predictive enough to assume pathogenicity. The variant occurs outside of the splicing consensus sequence and 1 of 5 in silico or computational prediction software programs (GeneSplicer) predict a greater than 10% difference in splicing; this is not very predictive of pathogenicity. In summary, based on the above information the clinical significance of this variant cannot be determined with certainty at this time. This variant is classified as a variant of uncertain significance.

NM_001009944.3(PKD1):c.4328T>G (p.Val1443Gly)

Gene: PKD1 (polycystin 1, transient receptor potential channel interacting; minus strand). Cytogenetic location: 16p13.3.
Variant type: single nucleotide variant.
Coding change: c.4328T>G on transcript NM_001009944.3 (MANE Select); coding-DNA position 4328, T replaced by G.
Protein change: p.Val1443Gly; replaces valine 1443 with glycine.
Molecular consequence: missense variant.
Genome position (GRCh38, 1-based): chr16:2,110,839, A>C on the plus strand (T>G on the coding strand, the complement: PKD1 is on the minus strand). VCF-style: chr16-2110839-A-C. GRCh37 (hg19) VCF-style: chr16-2160840-A-C.
Other names: c.4328T>G, p.Val1443Gly (NM_000296.4); short protein forms V1443G.
Identifiers: ClinVar variation 997282 (VCV000997282.2), dbSNP rs2092482898, ClinGen allele CA394380723.